The following is an entry in ClinVar:

ClinVar aggregate classification (germline): Conflicting classifications of pathogenicity. Review status: criteria provided, conflicting classifications (1 of 4 stars). 4 submissions from 4 submitters: Uncertain significance (3); Likely benign (1). Last evaluated 2025-09-18.

Conditions:
Inborn genetic diseases. Identifiers: MedGen C0950123, MeSH D030342.
AFF4-related disorder. Also called: AFF4-related condition.
Cognitive impairment - coarse facies - heart defects - obesity - pulmonary involvement - short stature - skeletal dysplasia syndrome. Also called: COGNITIVE IMPAIRMENT, COARSE FACIES, HEART DEFECTS, OBESITY, PULMONARY INVOLVEMENT, SHORT STATURE, AND SKELETAL DYSPLASIA; Chops syndrome; AFF4-Related CHOPS Syndrome. Identifiers: Orphanet 444077, MedGen C4085597, MONDO:0014609, OMIM 616368.

Allele frequency attached by ClinVar (database versions not stated): gnomAD 0.00002; TOPMed 0.00002; gnomAD exomes 0.00003; ExAC 0.00005; 1000 Genomes Project 30x 0.00016; 1000 Genomes Project 0.00020.

Submissions (4):

Labcorp Genetics (formerly Invitae), Labcorp
Classification: Uncertain significance for Cognitive impairment - coarse facies - heart defects - obesity - pulmonary involvement - short stature - skeletal dysplasia syndrome. Last evaluated: 2025-09-18. Review status: criteria provided, single submitter. Criteria: Invitae Variant Classification Sherloc (09022015). Collection method: clinical testing. Allele origin: germline.
Comment: This sequence change replaces lysine, which is basic and polar, with arginine, which is basic and polar, at codon 747 of the AFF4 protein (p.Lys747Arg). This variant is present in population databases (rs201536066, gnomAD 0.02%). This variant has not been reported in the literature in individuals affected with AFF4-related conditions. ClinVar contains an entry for this variant (Variation ID: 2174433). Invitae Evidence Modeling of protein sequence and biophysical properties (such as structural, functional, and spatial information, amino acid conservation, physicochemical variation, residue mobility, and thermodynamic stability) indicates that this missense variant is not expected to disrupt AFF4 protein function with a negative predictive value of 80%. In summary, the available evidence is currently insufficient to determine the role of this variant in disease. Therefore, it has been classified as a Variant of Uncertain Significance.

PreventionGenetics, part of Exact Sciences
Classification: Uncertain significance for AFF4-related condition. Last evaluated: 2025-01-22. Review status: criteria provided, single submitter. Criteria: ACMG Guidelines, 2015. Collection method: clinical testing. Allele origin: germline.
Comment: The AFF4 c.2240A>G variant is predicted to result in the amino acid substitution p.Lys747Arg. To our knowledge, this variant has not been reported in the literature. This variant is reported in 0.016% of alleles in individuals of South Asian descent in gnomAD, which may be too common for a pathogenic variant. Although we suspect that this variant may be benign, at this time, the clinical significance of this variant is uncertain due to the absence of conclusive functional and genetic evidence.

Blueprint Genetics
Classification: Likely benign. Last evaluated: 2024-09-11. Review status: criteria provided, single submitter. Criteria: ACMG Guidelines, 2015. Collection method: clinical testing. Allele origin: germline.

Ambry Genetics
Classification: Uncertain significance for Inborn genetic diseases. Last evaluated: 2022-04-07. Review status: criteria provided, single submitter. Criteria: Ambry Variant Classification Scheme 2023. Collection method: clinical testing. Allele origin: germline.

NM_014423.4(AFF4):c.2240A>G (p.Lys747Arg)

Gene: AFF4 (ALF transcription elongation factor 4; minus strand). Cytogenetic location: 5q31.1.
Variant type: single nucleotide variant.
Coding change: c.2240A>G on transcript NM_014423.4 (MANE Select); coding-DNA position 2240, A replaced by G.
Protein change: p.Lys747Arg; replaces lysine 747 with arginine.
Molecular consequence: missense variant.
Genome position (GRCh38, 1-based): chr5:132,896,390, T>C on the plus strand (A>G on the coding strand, the complement: AFF4 is on the minus strand). VCF-style: chr5-132896390-T-C. GRCh37 (hg19) VCF-style: chr5-132232082-T-C.
Other names: c.2240A>G (NM_014423.3); short protein forms K747R.
Identifiers: ClinVar variation 2174433 (VCV002174433.8), dbSNP rs201536066, ClinGen allele CA3408986.
Genomic context (GRCh38, chr5:132,896,390, plus strand): 5'-TTCCTCTTGCCTTTGTTGGAAACTTTTTCTGAGGCTTGTTTCTGAGCCTCTCTCGTGTGC[T>C]TTTCTGGCACATTTTTCTTTTCCCCCTTGGGCGGCTCTGTTTCTTTGTAAGGCTTTCCTG-3'
Protein context (NP_055238.1, residues 737-757): PKGEKKNVPE[Lys747Arg]HTREAQKQAS